The following is an entry in ClinVar:

ClinVar aggregate classification (germline): Uncertain significance. Review status: criteria provided, multiple submitters, no conflicts (2 of 4 stars). 2 submissions from 2 submitters: Uncertain significance (2). Last evaluated 2022-08-17.

gnomAD v4.1: 28 of 1,564,208 alleles (0.0018%); highest among the groups gnomAD compares: South Asian, 0.033%; no homozygotes.

Submissions (2):

Blueprint Genetics
Classification: Uncertain significance. Last evaluated: 2022-08-17. Review status: criteria provided, single submitter. Criteria: ACMG Guidelines, 2015. Collection method: clinical testing. Allele origin: germline.

Labcorp Genetics (formerly Invitae), Labcorp
Classification: Uncertain significance. Last evaluated: 2022-05-21. Review status: criteria provided, single submitter. Criteria: Invitae Variant Classification Sherloc (09022015). Collection method: clinical testing. Allele origin: germline.
Comment: In summary, the available evidence is currently insufficient to determine the role of this variant in disease. Therefore, it has been classified as a Variant of Uncertain Significance. Algorithms developed to predict the effect of missense changes on protein structure and function are either unavailable or do not agree on the potential impact of this missense change (SIFT: "Deleterious"; PolyPhen-2: "Probably Damaging"; Align-GVGD: "Class C0"). This variant has not been reported in the literature in individuals affected with KIAA1549-related conditions. This variant is present in population databases (rs751078785, gnomAD 0.03%). This sequence change replaces glycine, which is neutral and non-polar, with arginine, which is basic and polar, at codon 1849 of the KIAA1549 protein (p.Gly1849Arg).

NM_001164665.2(KIAA1549):c.5545G>A (p.Gly1849Arg)

Gene: KIAA1549 (KIAA1549; minus strand). Cytogenetic location: 7q34.
Variant type: single nucleotide variant.
Coding change: c.5545G>A on transcript NM_001164665.2 (MANE Select); coding-DNA position 5545, G replaced by A.
Protein change: p.Gly1849Arg; replaces glycine 1849 with arginine.
Molecular consequence: missense variant.
Genome position (GRCh38, 1-based): chr7:138,840,186, C>T on the plus strand (G>A on the coding strand, the complement: KIAA1549 is on the minus strand). VCF-style: chr7-138840186-C-T. GRCh37 (hg19) VCF-style: chr7-138524931-C-T.
Other names: c.5545G>A, p.Gly1849Arg (NM_020910.3); short protein forms G1849R.
Identifiers: ClinVar variation 1929896 (VCV001929896.4), dbSNP rs751078785, ClinGen allele CA4505527.